The following is an entry in ClinVar:

ClinVar aggregate classification (germline): Uncertain significance (1 of 4 stars; one submission).

Allele frequency attached by ClinVar (database versions not stated): ExAC 0.00001; gnomAD exomes 0.00002; TOPMed 0.00002; gnomAD 0.00004.
gnomAD v4.1: 42 of 1,613,648 alleles (0.0026%); highest among the groups gnomAD compares: Non-Finnish European, 0.0033%; no homozygotes.

Submission:

Labcorp Genetics (formerly Invitae), Labcorp
Classification: Uncertain significance. Last evaluated: 2022-09-01. Review status: criteria provided, single submitter. Criteria: Invitae Variant Classification Sherloc (09022015). Collection method: clinical testing. Allele origin: germline.
Comment: This sequence change replaces glutamic acid, which is acidic and polar, with lysine, which is basic and polar, at codon 308 of the PLAA protein (p.Glu308Lys). This variant is present in population databases (rs781074905, gnomAD 0.004%). This variant has not been reported in the literature in individuals affected with PLAA-related conditions. Algorithms developed to predict the effect of missense changes on protein structure and function are either unavailable or do not agree on the potential impact of this missense change (SIFT: "Tolerated"; PolyPhen-2: "Possibly Damaging"; Align-GVGD: "Class C0"). In summary, the available evidence is currently insufficient to determine the role of this variant in disease. Therefore, it has been classified as a Variant of Uncertain Significance.

NM_001031689.3(PLAA):c.922G>A (p.Glu308Lys)

Gene: PLAA (phospholipase A2 activating protein; minus strand). Cytogenetic location: 9p21.2.
Variant type: single nucleotide variant.
Coding change: c.922G>A on transcript NM_001031689.3 (MANE Select); coding-DNA position 922, G replaced by A.
Protein change: p.Glu308Lys; replaces glutamic acid 308 with lysine.
Molecular consequence: missense variant.
Genome position (GRCh38, 1-based): chr9:26,923,295, C>T on the plus strand (G>A on the coding strand, the complement: PLAA is on the minus strand). VCF-style: chr9-26923295-C-T. GRCh37 (hg19) VCF-style: chr9-26923293-C-T.
Other names: c.922G>A, p.Glu308Lys (NM_001321546.2); short protein forms E308K.
Identifiers: ClinVar variation 1984142 (VCV001984142.1), dbSNP rs781074905, ClinGen allele CA5014509.